The following is an entry in ClinVar:

ClinVar aggregate classification (germline): Likely benign (1 of 4 stars; one submission).

Submission:

CeGaT Center for Human Genetics Tuebingen
Classification: Likely benign. Last evaluated: 2026-01-01. Review status: criteria provided, single submitter. Criteria: CeGaT Center For Human Genetics Tuebingen Variant Classification Criteria Version 2. Collection method: clinical testing. Allele origin: germline. Affected: yes. Observed: 1 variant allele.
Comment: VCX3B: BP4, BP7

NM_001001888.4(VCX3B):c.384C>T (p.Ser128=)

Gene: VCX3B (variable charge X-linked 3B; plus strand). Cytogenetic location: Xp22.31.
Variant type: single nucleotide variant.
Coding change: c.384C>T on transcript NM_001001888.4 (MANE Select); coding-DNA position 384, C replaced by T.
Protein change: p.Ser128=; no amino-acid change (serine 128 retained).
Molecular consequence: synonymous variant.
Genome position (GRCh38, 1-based): chrX:8,466,026, C>T. VCF-style: chrX-8466026-C-T. GRCh37 (hg19) VCF-style: chrX-8434067-C-T.
Identifiers: ClinVar variation 4821305 (VCV004821305.4).
Genomic context (GRCh38, chrX:8,466,026, plus strand): 5'-CGAGCTGGAGGAACCACTGAGTCAGGAGAGCGAGGTGGAAGAACCACTGAGTCAGGAGAG[C>T]CAGGTGGAGGAACCACTGAGTCAGGAGAGCGAGGTGGAAGAACCACTGAGTCAGGAGAGC-3'
Protein context (NP_001001888.3, residues 118-138): SEVEEPLSQE[Ser128=]QVEEPLSQES